The following is an entry in ClinVar:

NM_006904.7(PRKDC):c.2179G>A (p.Ala727Thr)

Gene: PRKDC (protein kinase, DNA-activated, catalytic subunit; minus strand). Cytogenetic location: 8q11.21.
Variant type: single nucleotide variant.
Coding change: c.2179G>A on transcript NM_006904.7 (MANE Select); coding-DNA position 2179, G replaced by A.
Protein change: p.Ala727Thr; replaces alanine 727 with threonine.
Molecular consequence: missense variant.
Genome position (GRCh38, 1-based): chr8:47,927,851, C>T on the plus strand (G>A on the coding strand, the complement: PRKDC is on the minus strand). VCF-style: chr8-47927851-C-T. GRCh37 (hg19) VCF-style: chr8-48840411-C-T.
Other names: c.2179G>A, p.Ala727Thr (NM_001081640.2); short protein forms A727T.
Identifiers: ClinVar variation 1787224 (VCV001787224.2), dbSNP rs2090178903, ClinGen allele CA371162758.

ClinVar aggregate classification (germline): Uncertain significance (1 of 4 stars; one submission).

Allele frequency attached by ClinVar (database versions not stated): gnomAD exomes below 0.00001; TOPMed below 0.00001; gnomAD 0.00001.
gnomAD v4.1: 7 of 1,596,570 alleles (0.00044%); highest among the groups gnomAD compares: Non-Finnish European, 0.0006%; no homozygotes.

Submission:

Ambry Genetics
Classification: Uncertain significance. Last evaluated: 2022-03-31. Review status: criteria provided, single submitter. Criteria: Ambry Variant Classification Scheme 2023. Collection method: clinical testing. Allele origin: germline.
Comment: The p.A727T variant (also known as c.2179G>A), located in coding exon 20 of the PRKDC gene, results from a G to A substitution at nucleotide position 2179. The alanine at codon 727 is replaced by threonine, an amino acid with similar properties. This amino acid position is conserved. In addition, the in silico prediction for this alteration is inconclusive. Since supporting evidence is limited at this time, the clinical significance of this alteration remains unclear.